The following is an entry in ClinVar:

ClinVar aggregate classification (germline): Likely benign. Review status: criteria provided, single submitter (1 of 4 stars). 2 submissions from 2 submitters: Likely benign (1). 1 of the submissions does not count toward it. Last evaluated 2026-06-01.

Conditions:
Retinal dystrophy. Also called: Inherited retinal dystrophy. Identifiers: Orphanet 71862, MedGen C0854723, MeSH D058499, MONDO:0019118, HP:0000556.

gnomAD v4.1: 1,842 of 1,613,888 alleles (0.11%); highest among the groups gnomAD compares: Non-Finnish European, 0.14%; 3 homozygotes.

Submissions (2):

CeGaT Center for Human Genetics Tuebingen
Classification: Likely benign. Last evaluated: 2026-06-01. Review status: criteria provided, single submitter. Criteria: CeGaT Center For Human Genetics Tuebingen Variant Classification Criteria Version 2. Collection method: clinical testing. Allele origin: germline. Affected: yes. Observed: 3 variant alleles.
Comment: KIF3B: BP4, BS3:Supporting, BS1

Institute of Human Genetics, Univ. Regensburg, Univ. Regensburg
Classification: Uncertain significance for Retinal dystrophy. Last evaluated: 2023-01-01. Review status: no assertion criteria provided. Criteria: ACMG Guidelines, 2015. Collection method: clinical testing. Allele origin: germline. Affected: yes. Not counted in ClinVar's aggregate classification.

NM_004798.4(KIF3B):c.1303G>A (p.Val435Ile)

Gene: KIF3B (kinesin family member 3B; plus strand). Cytogenetic location: 20q11.21.
Variant type: single nucleotide variant.
Coding change: c.1303G>A on transcript NM_004798.4 (MANE Select); coding-DNA position 1303, G replaced by A.
Protein change: p.Val435Ile; replaces valine 435 with isoleucine.
Molecular consequence: missense variant.
Genome position (GRCh38, 1-based): chr20:32,311,080, G>A. VCF-style: chr20-32311080-G-A. GRCh37 (hg19) VCF-style: chr20-30898883-G-A.
Other names: short protein forms V435I.
Identifiers: ClinVar variation 3249149 (VCV003249149.7).